The following is an entry in ClinVar:

NM_006323.5(SEC24B):c.680T>C (p.Phe227Ser)

Gene: SEC24B (SEC24 homolog B, COPII component; plus strand). Cytogenetic location: 4q25.
Variant type: single nucleotide variant.
Coding change: c.680T>C on transcript NM_006323.5 (MANE Select); coding-DNA position 680, T replaced by C.
Protein change: p.Phe227Ser; replaces phenylalanine 227 with serine.
Molecular consequence: missense variant.
Genome position (GRCh38, 1-based): chr4:109,463,447, T>C. VCF-style: chr4-109463447-T-C. GRCh37 (hg19) VCF-style: chr4-110384603-T-C.
Other names: c.680T>C, p.Phe227Ser (NM_001042734.4, NM_001318085.2, NM_001318086.2); c.773T>C, p.Phe258Ser (NM_001300813.3); short protein forms F227S, F258S.
Identifiers: ClinVar variation 3025157 (VCV003025157.22), dbSNP rs200924216, ClinGen allele CA3040177.

ClinVar aggregate classification (germline): Likely benign (1 of 4 stars; one submission).

Allele frequency attached by ClinVar (database versions not stated): ESP Exome Variant Server 0.00031; gnomAD exomes 0.00050; gnomAD 0.00051; TOPMed 0.00053; 1000 Genomes Project 0.00060; ExAC 0.00073; 1000 Genomes Project 30x 0.00078.
gnomAD v4.1: 831 of 1,614,110 alleles (0.051%); highest among the groups gnomAD compares: Middle Eastern, 0.56%; 4 homozygotes.

Submission:

CeGaT Center for Human Genetics Tuebingen
Classification: Likely benign. Last evaluated: 2024-02-01. Review status: criteria provided, single submitter. Criteria: CeGaT Center For Human Genetics Tuebingen Variant Classification Criteria Version 2. Collection method: clinical testing. Allele origin: germline. Affected: yes. Observed: 1 variant allele.
Comment: SEC24B: BP4